The following is an entry in ClinVar:

ClinVar aggregate classification (germline): Conflicting classifications of pathogenicity. Review status: criteria provided, conflicting classifications (1 of 4 stars). 5 submissions from 5 submitters: Uncertain significance (3); Likely benign (2). Last evaluated 2026-01-28.

Conditions:
Fanconi anemia complementation group A (FANCA). Also called: Fanconi anemia, group A; FANCA-Related Fanconi Anemia. Identifiers: Orphanet 84, MedGen C3469521, MONDO:0009215, OMIM 227650.
Fanconi anemia (FA). Also called: Fanconi's anemia. Identifiers: Orphanet 84, MedGen C0015625, MeSH D005199, MONDO:0019391.

Allele frequency attached by ClinVar (database versions not stated): gnomAD 0.00053 and 0.00056; 1000 Genomes Project 0.00060; ESP Exome Variant Server 0.00062; TOPMed 0.00065; 1000 Genomes Project 30x 0.00078.
gnomAD v4.1: 1,091 of 1,585,552 alleles (0.069%); highest among the groups gnomAD compares: Non-Finnish European, 0.085%; 1 homozygote.

Submissions (5):

Labcorp Genetics (formerly Invitae), Labcorp
Classification: Likely benign for Fanconi anemia. Last evaluated: 2026-01-28. Review status: criteria provided, single submitter. Criteria: Invitae Variant Classification Sherloc (09022015). Collection method: clinical testing. Allele origin: germline.

Blueprint Genetics
Classification: Likely benign. Last evaluated: 2024-11-26. Review status: criteria provided, single submitter. Criteria: ACMG Guidelines, 2015. Collection method: clinical testing. Allele origin: germline.

Sema4
Classification: Uncertain significance for Fanconi anemia. Last evaluated: 2021-11-15. Review status: criteria provided, single submitter. Criteria: Sema4 Curation Guidelines. Collection method: curation. Allele origin: germline.
Comment: The FANCA c.3514-13G>A variant has not been reported in the literature to our knowledge. This variant was observed in 95/104414 chromosomes in the Non-Finnish European subpopulation, including no homozygotes, in the large and broad cohorts of the Genome Aggregation Database (PMID: 32461654). The variant has been reported in ClinVar (Variation ID: 321337). The evidence is insufficient to meet ACMG/AMP criteria for classifying the variant as benign or pathogenic. Thus, the clinical significance of this variant is currently uncertain.

Institute for Clinical Genetics, University Hospital TU Dresden, University Hospital TU Dresden
Classification: Uncertain significance. Last evaluated: 2021-11-03. Review status: criteria provided, single submitter. Criteria: ACMG Guidelines, 2015. Collection method: clinical testing. Allele origin: germline.

Illumina Laboratory Services, Illumina
Classification: Uncertain significance for Fanconi anemia complementation group A. Last evaluated: 2018-01-12. Review status: criteria provided, single submitter. Criteria: ICSL Variant Classification Criteria 13 December 2019. Collection method: clinical testing. Allele origin: germline.

NM_000135.4(FANCA):c.3514-13G>A

Gene: FANCA (FA complementation group A; minus strand). Cytogenetic location: 16q24.3.
Variant type: single nucleotide variant.
Coding change: c.3514-13G>A on transcript NM_000135.4 (MANE Select); 13 bases into the intron before coding-DNA position 3514, G replaced by A.
Molecular consequence: intron variant.
Genome position (GRCh38, 1-based): chr16:89,745,084, C>T on the plus strand (G>A on the coding strand, the complement: FANCA is on the minus strand). VCF-style: chr16-89745084-C-T. GRCh37 (hg19) VCF-style: chr16-89811492-C-T.
Other names: c.3514-13G>A (LRG_495t1, NM_001286167.3).
Identifiers: ClinVar variation 321337 (VCV000321337.18), dbSNP rs200270574, ClinGen allele CA8251109.